The following is an entry in ClinVar:

ClinVar aggregate classification (germline): Uncertain significance. Review status: criteria provided, multiple submitters, no conflicts (2 of 4 stars). 6 submissions from 6 submitters: Uncertain significance (6). Last evaluated 2025-02-06.

Conditions:
VPS13B-related disorder. Also called: VPS13B-related condition.
Cohen syndrome (COH1). Also called: PEPPER SYNDROME; Cutis verticis gyrata, retinitis pigmentosa, and sensorineural deafness. Identifiers: Orphanet 193, MedGen C0265223, MONDO:0008999, OMIM 216550.

Allele frequency attached by ClinVar (database versions not stated): TOPMed below 0.00001.
gnomAD v4.1: 34 of 1,613,758 alleles (0.0021%); highest among the groups gnomAD compares: Non-Finnish European, 0.0027%; no homozygotes.

Submissions (6):

PreventionGenetics, part of Exact Sciences
Classification: Uncertain significance for VPS13B-related condition. Last evaluated: 2025-02-06. Review status: criteria provided, single submitter. Criteria: ACMG Guidelines, 2015. Collection method: clinical testing. Allele origin: germline.
Comment: The VPS13B c.7462G>A variant is predicted to result in the amino acid substitution p.Asp2488Asn. To our knowledge, this variant has not been reported in the literature. This variant is reported in 0.0054% of alleles in individuals of East Asian descent in gnomAD. At this time, the clinical significance of this variant is uncertain due to the absence of conclusive functional and genetic evidence.

CeGaT Center for Human Genetics Tuebingen
Classification: Uncertain significance. Last evaluated: 2024-12-01. Review status: criteria provided, single submitter. Criteria: CeGaT Center For Human Genetics Tuebingen Variant Classification Criteria Version 2. Collection method: clinical testing. Allele origin: germline. Affected: yes. Observed: 1 variant allele.
Comment: VPS13B: PM2

GeneDx
Classification: Uncertain significance. Last evaluated: 2024-09-13. Review status: criteria provided, single submitter. Criteria: GeneDx Variant Classification Process June 2021. Collection method: clinical testing. Allele origin: germline. Affected: yes.
Comment: Not observed at significant frequency in large population cohorts (gnomAD); In silico analysis indicates that this missense variant does not alter protein structure/function; Has not been previously published as pathogenic or benign to our knowledge

Labcorp Genetics (formerly Invitae), Labcorp
Classification: Uncertain significance for Cohen syndrome. Last evaluated: 2024-03-12. Review status: criteria provided, single submitter. Criteria: Invitae Variant Classification Sherloc (09022015). Collection method: clinical testing. Allele origin: germline.
Comment: This sequence change replaces aspartic acid, which is acidic and polar, with asparagine, which is neutral and polar, at codon 2513 of the VPS13B protein (p.Asp2513Asn). This variant is present in population databases (rs780602782, gnomAD 0.006%). This variant has not been reported in the literature in individuals affected with VPS13B-related conditions. ClinVar contains an entry for this variant (Variation ID: 1343687). Advanced modeling of protein sequence and biophysical properties (such as structural, functional, and spatial information, amino acid conservation, physicochemical variation, residue mobility, and thermodynamic stability) performed at Invitae indicates that this missense variant is expected to disrupt VPS13B protein function with a positive predictive value of 80%. In summary, the available evidence is currently insufficient to determine the role of this variant in disease. Therefore, it has been classified as a Variant of Uncertain Significance.

Women's Health and Genetics/Laboratory Corporation of America, LabCorp
Classification: Uncertain significance. Last evaluated: 2022-02-18. Review status: criteria provided, single submitter. Criteria: LabCorp Variant Classification Summary - May 2015. Collection method: clinical testing. Allele origin: germline.

Breakthrough Genomics
Classification: Uncertain significance. Review status: criteria provided, single submitter. Criteria: ACMG Guidelines, 2015. Collection method: not provided. Allele origin: germline. Inheritance: Autosomal recessive inheritance. Affected: yes.

NM_152564.5(VPS13B):c.7462G>A (p.Asp2488Asn)

Gene: VPS13B (vacuolar protein sorting 13 homolog B; plus strand). Cytogenetic location: 8q22.2.
Variant type: single nucleotide variant.
Coding change: c.7462G>A on transcript NM_152564.5 (MANE Select); coding-DNA position 7462, G replaced by A.
Protein change: p.Asp2488Asn; replaces aspartic acid 2488 with asparagine.
Molecular consequence: missense variant.
Genome position (GRCh38, 1-based): chr8:99,778,714, G>A. VCF-style: chr8-99778714-G-A. GRCh37 (hg19) VCF-style: chr8-100790942-G-A.
Other names: c.7462G>A (NM_152564.4); c.7537G>A, p.Asp2513Asn (NM_017890.5); c.7537G>A (NM_017890.3); short protein forms D2488N, D2513N.
Identifiers: ClinVar variation 1343687 (VCV001343687.22), dbSNP rs780602782, ClinGen allele CA4824236.